The following is an entry in ClinVar:

ClinVar aggregate classification (germline): Uncertain significance. Review status: criteria provided, multiple submitters, no conflicts (2 of 4 stars). 5 submissions from 5 submitters: Uncertain significance (5). Last evaluated 2025-07-24.

Conditions:
Hereditary nonpolyposis colorectal neoplasms. Identifiers: MedGen C0009405, MeSH D003123.
Hereditary cancer-predisposing syndrome. Also called: Hereditary Cancer Syndrome; Hereditary neoplastic syndrome; Neoplastic Syndromes, Hereditary; Tumor predisposition. Identifiers: Orphanet 140162, MedGen C0027672, MeSH D009386, MONDO:0015356.
Lynch syndrome. Identifiers: Orphanet 144, MedGen C4552100, MONDO:0005835. Disease mechanism: loss of function.
Lynch syndrome 5 (LYNCH5). Also called: Hereditary non-polyposis colorectal cancer, type 5; Colorectal cancer, hereditary nonpolyposis, type 5. Identifiers: Orphanet 144, MedGen C1833477, MONDO:0013710, OMIM 614350. Disease mechanism: loss of function.

Submissions (5):

Labcorp Genetics (formerly Invitae), Labcorp
Classification: Uncertain significance for Hereditary nonpolyposis colorectal neoplasms. Last evaluated: 2025-07-24. Review status: criteria provided, single submitter. Criteria: Invitae Variant Classification Sherloc (09022015). Collection method: clinical testing. Allele origin: germline.
Comment: This sequence change replaces leucine, which is neutral and non-polar, with valine, which is neutral and non-polar, at codon 173 of the MSH6 protein (p.Leu173Val). This variant is not present in population databases (gnomAD no frequency). This variant has not been reported in the literature in individuals affected with MSH6-related conditions. ClinVar contains an entry for this variant (Variation ID: 455331). Invitae Evidence Modeling of protein sequence and biophysical properties (such as structural, functional, and spatial information, amino acid conservation, physicochemical variation, residue mobility, and thermodynamic stability) indicates that this missense variant is not expected to disrupt MSH6 protein function with a negative predictive value of 95%. In summary, the available evidence is currently insufficient to determine the role of this variant in disease. Therefore, it has been classified as a Variant of Uncertain Significance.

Color Diagnostics, LLC DBA Color Health
Classification: Uncertain significance for Hereditary cancer-predisposing syndrome. Last evaluated: 2024-03-06. Review status: criteria provided, single submitter. Criteria: ACMG Guidelines, 2015. Collection method: clinical testing. Allele origin: germline.
Comment: This missense variant replaces leucine with valine at codon 173 of the MSH6 protein. Computational prediction suggests that this variant may not impact protein structure and function (internally defined REVEL score threshold <= 0.5, PMID: 27666373). To our knowledge, functional studies have not been reported for this variant. This variant has not been reported in individuals affected with MSH6-related disorders in the literature. This variant has not been identified in the general population by the Genome Aggregation Database (gnomAD). The available evidence is insufficient to determine the role of this variant in disease conclusively. Therefore, this variant is classified as a Variant of Uncertain Significance.

All of Us Research Program, National Institutes of Health
Classification: Uncertain significance for Lynch syndrome. Last evaluated: 2023-08-23. Review status: criteria provided, single submitter. Criteria: ACMG Guidelines, 2015. Collection method: clinical testing. Allele origin: germline. Inheritance: Autosomal dominant inheritance. Observed: 1 variant allele, 1 heterozygote.
Comment: This missense variant replaces leucine with valine at codon 173 of the MSH6 protein. Computational prediction suggests that this variant may not impact protein structure and function (internally defined REVEL score threshold <= 0.5, PMID: 27666373). To our knowledge, functional studies have not been reported for this variant. This variant has not been reported in individuals affected with MSH6-related disorders in the literature. This variant has not been identified in the general population by the Genome Aggregation Database (gnomAD). The available evidence is insufficient to determine the role of this variant in disease conclusively. Therefore, this variant is classified as a Variant of Uncertain Significance.

This study involves interpretation of variants in research participants for the purpose of population health screening. Participant phenotype was not available at the time of variant classification. Additional details can be found in publication PMID: 35346344, PMCID: PMC8962531

Neuberg Centre For Genomic Medicine, NCGM
Classification: Uncertain significance for Lynch syndrome 5. Last evaluated: 2023-06-22. Review status: criteria provided, single submitter. Criteria: ACMG Guidelines, 2015. Collection method: clinical testing. Allele origin: germline. Inheritance: Autosomal dominant inheritance. Affected: yes.
Comment: The observed missense variant c.517C>G(p.Leu173Val) in MSH6 gene has not been reported previously as a pathogenic variant nor as a benign variant, to our knowledge. The c.517C>G(p.Leu173Val) variant is absent in gnomAD Exomes. This variant has been reported to the ClinVar database as Uncertain Significance. The amino acid Leu at position 173 is changed to a Val changing protein sequence and it might alter its composition and physico-chemical properties. Computational evidence (Polyphen-Benign, SIFT- Tolerated and Mutation Taster-disease causing) predicts conflicting evidence on protein structure and function for this variant. The reference amino acid p.Leu173Val in MSH6 is predicted as conserved by GERP++ and PhyloP across 100 vertebrates. For these reasons, this variant has been classified as Uncertain Significance.

Ambry Genetics
Classification: Uncertain significance for Hereditary cancer-predisposing syndrome. Last evaluated: 2021-07-06. Review status: criteria provided, single submitter. Criteria: Ambry Variant Classification Scheme 2023. Collection method: clinical testing. Allele origin: germline.
Comment: The p.L173V variant (also known as c.517C>G), located in coding exon 3 of the MSH6 gene, results from a C to G substitution at nucleotide position 517. The leucine at codon 173 is replaced by valine, an amino acid with highly similar properties. This amino acid position is not well conserved in available vertebrate species. In addition, this alteration is predicted to be tolerated by in silico analysis. Since supporting evidence is limited at this time, the clinical significance of this alteration remains unclear.

NM_000179.3(MSH6):c.517C>G (p.Leu173Val)

Gene: MSH6 (mutS homolog 6; plus strand). Cytogenetic location: 2p16.3.
Variant type: single nucleotide variant.
Coding change: c.517C>G on transcript NM_000179.3 (MANE Select); coding-DNA position 517, C replaced by G.
Protein change: p.Leu173Val; replaces leucine 173 with valine.
Molecular consequence: missense variant. On other transcripts: 5 prime UTR variant (1), intron variant (2).
Genome position (GRCh38, 1-based): chr2:47,795,953, C>G. VCF-style: chr2-47795953-C-G. GRCh37 (hg19) VCF-style: chr2-48023092-C-G.
Other names: c.-386C>G (NM_001281494.2); c.-279-2658C>G (NM_001281493.2); c.238-2658C>G (NM_001281492.2); short protein forms L173V.
Identifiers: ClinVar variation 455331 (VCV000455331.19), dbSNP rs1553411421, ClinGen allele CA346738678.